The following is an entry in ClinVar:

ClinVar aggregate classification (germline): Uncertain significance (1 of 4 stars; one submission).

Conditions:
Charcot-Marie-Tooth disease, type I (CMT1). Also called: Charcot-Marie-Tooth disease type 1; Charcot-Marie-Tooth, Type 1. Identifiers: Orphanet 65753, MedGen C0751036, MONDO:0019011.

Allele frequency attached by ClinVar (database versions not stated): gnomAD exomes 0.00001.
gnomAD v4.1: 10 of 1,613,942 alleles (0.00062%); highest among the groups gnomAD compares: East Asian, 0.018%; no homozygotes.

Submission:

Labcorp Genetics (formerly Invitae), Labcorp
Classification: Uncertain significance for Charcot-Marie-Tooth disease, type I. Last evaluated: 2022-09-10. Review status: criteria provided, single submitter. Criteria: Invitae Variant Classification Sherloc (09022015). Collection method: clinical testing. Allele origin: germline.
Comment: In summary, the available evidence is currently insufficient to determine the role of this variant in disease. Therefore, it has been classified as a Variant of Uncertain Significance. Advanced modeling of protein sequence and biophysical properties (such as structural, functional, and spatial information, amino acid conservation, physicochemical variation, residue mobility, and thermodynamic stability) performed at Invitae indicates that this missense variant is expected to disrupt EGR2 protein function. This variant has not been reported in the literature in individuals affected with EGR2-related conditions. This variant is not present in population databases (gnomAD no frequency). This sequence change replaces proline, which is neutral and non-polar, with leucine, which is neutral and non-polar, at codon 169 of the EGR2 protein (p.Pro169Leu).

NM_000399.5(EGR2):c.506C>T (p.Pro169Leu)

Gene: EGR2 (early growth response 2; minus strand). Cytogenetic location: 10q21.3.
Variant type: single nucleotide variant.
Coding change: c.506C>T on transcript NM_000399.5 (MANE Select); coding-DNA position 506, C replaced by T.
Protein change: p.Pro169Leu; replaces proline 169 with leucine.
Molecular consequence: missense variant.
Genome position (GRCh38, 1-based): chr10:62,814,132, G>A on the plus strand (C>T on the coding strand, the complement: EGR2 is on the minus strand). VCF-style: chr10-62814132-G-A. GRCh37 (hg19) VCF-style: chr10-64573892-G-A.
Other names: c.506C>T, p.Pro169Leu (NM_001136177.3, NM_001136178.2); c.356C>T, p.Pro119Leu (NM_001136179.3, NM_001321037.2); c.545C>T, p.Pro182Leu (NM_001410931.1); short protein forms P119L, P182L, P169L.
Identifiers: ClinVar variation 2195616 (VCV002195616.4), dbSNP rs1266842158, ClinGen allele CA377030238.